The following is an entry in ClinVar:

NM_152468.5(TMC8):c.319C>T (p.Arg107Trp)

Genes: TMC6 (transmembrane channel like 6; minus strand), TMC8 (transmembrane channel like 8; plus strand), LOC130061793 (ATAC-STARR-seq lymphoblastoid silent region 9044; plus strand). Cytogenetic location: 17q25.3.
Variant type: single nucleotide variant.
Coding change: c.319C>T on transcript NM_152468.5 (MANE Select); coding-DNA position 319, C replaced by T.
Protein change: p.Arg107Trp; replaces arginine 107 with tryptophan.
Molecular consequence: missense variant. On other transcripts: 5 prime UTR variant (1).
Genome position (GRCh38, 1-based): chr17:78,132,379, C>T. VCF-style: chr17-78132379-C-T. GRCh37 (hg19) VCF-style: chr17-76128460-C-T.
Other names: c.-113G>A (NM_007267.7); short protein forms R107W.
Identifiers: ClinVar variation 959650 (VCV000959650.3), dbSNP rs1248372306, ClinGen allele CA401241461.

ClinVar aggregate classification (germline): Uncertain significance (1 of 4 stars; one submission).

Conditions:
Epidermodysplasia verruciformis. Identifiers: Orphanet 302, MedGen C0014522, MONDO:0009176.

Submission:

Labcorp Genetics (formerly Invitae), Labcorp
Classification: Uncertain significance for Epidermodysplasia verruciformis. Last evaluated: 2019-11-02. Review status: criteria provided, single submitter. Criteria: Invitae Variant Classification Sherloc (09022015). Collection method: clinical testing. Allele origin: germline.
Comment: This sequence change replaces arginine with tryptophan at codon 107 of the TMC8 protein (p.Arg107Trp). The arginine residue is weakly conserved and there is a moderate physicochemical difference between arginine and tryptophan. This variant is not present in population databases (ExAC no frequency). This variant has not been reported in the literature in individuals with TMC8-related conditions. Algorithms developed to predict the effect of missense changes on protein structure and function are either unavailable or do not agree on the potential impact of this missense change (SIFT: "Deleterious"; PolyPhen-2: "Possibly Damaging"; Align-GVGD: "Class C0"). In summary, the available evidence is currently insufficient to determine the role of this variant in disease. Therefore, it has been classified as a Variant of Uncertain Significance.